The following is an entry in ClinVar:

ClinVar aggregate classification (germline): Uncertain significance. Review status: criteria provided, multiple submitters, no conflicts (2 of 4 stars). 2 submissions from 2 submitters: Uncertain significance (2). Last evaluated 2024-05-10.

Conditions:
Polyhydramnios, megalencephaly, and symptomatic epilepsy (PMSE). Also called: PMSE SYNDROME. Identifiers: Orphanet 500533, MedGen C1970203, MONDO:0012611, OMIM 611087.
Inborn genetic diseases. Identifiers: MedGen C0950123, MeSH D030342.

Submissions (2):

Ambry Genetics
Classification: Uncertain significance for Inborn genetic diseases. Last evaluated: 2024-05-10. Review status: criteria provided, single submitter. Criteria: Ambry Variant Classification Scheme 2023. Collection method: clinical testing. Allele origin: germline.

Labcorp Genetics (formerly Invitae), Labcorp
Classification: Uncertain significance for Polyhydramnios, megalencephaly, and symptomatic epilepsy. Last evaluated: 2022-08-16. Review status: criteria provided, single submitter. Criteria: Invitae Variant Classification Sherloc (09022015). Collection method: clinical testing. Allele origin: germline.
Comment: This sequence change replaces threonine, which is neutral and polar, with alanine, which is neutral and non-polar, at codon 113 of the STRADA protein (p.Thr113Ala). This variant is not present in population databases (gnomAD no frequency). This variant has not been reported in the literature in individuals affected with STRADA-related conditions. ClinVar contains an entry for this variant (Variation ID: 1365436). Algorithms developed to predict the effect of missense changes on protein structure and function (SIFT, PolyPhen-2, Align-GVGD) all suggest that this variant is likely to be tolerated. In summary, the available evidence is currently insufficient to determine the role of this variant in disease. Therefore, it has been classified as a Variant of Uncertain Significance.

NM_001003787.4(STRADA):c.337A>G (p.Thr113Ala)

Gene: STRADA (STE20 related adaptor alpha; minus strand). Cytogenetic location: 17q23.3.
Variant type: single nucleotide variant.
Coding change: c.337A>G on transcript NM_001003787.4 (MANE Select); coding-DNA position 337, A replaced by G.
Protein change: p.Thr113Ala; replaces threonine 113 with alanine.
Molecular consequence: missense variant. On other transcripts: non-coding transcript variant (1).
Genome position (GRCh38, 1-based): chr17:63,713,417, T>C on the plus strand (A>G on the coding strand, the complement: STRADA is on the minus strand). VCF-style: chr17-63713417-T-C. GRCh37 (hg19) VCF-style: chr17-61790777-T-C.
Other names: c.226A>G, p.Thr76Ala (NM_001003786.3, NM_001363789.1, NM_153335.6); c.163A>G, p.Thr55Ala (NM_001003788.3, NM_001363790.1, NM_001363791.1); c.250A>G, p.Thr84Ala (NM_001165969.2, NM_001363787.1); c.205A>G, p.Thr69Ala (NM_001165970.2); c.313A>G, p.Thr105Ala (NM_001363786.1); c.337A>G, p.Thr113Ala (NM_001363788.1); c.337A>G (NM_001003787.2); short protein forms T105A, T113A, T69A, T76A, T84A, T55A.
Identifiers: ClinVar variation 1365436 (VCV001365436.6), dbSNP rs2036636681, ClinGen allele CA400593493.